The following is an entry in ClinVar:

ClinVar aggregate classification (germline): Uncertain significance (1 of 4 stars; one submission).

Conditions:
Hereditary cancer-predisposing syndrome. Also called: Neoplastic Syndromes, Hereditary; Tumor predisposition; Hereditary Cancer Syndrome; Hereditary neoplastic syndrome. Identifiers: Orphanet 140162, MedGen C0027672, MeSH D009386, MONDO:0015356.

Submission:

Ambry Genetics
Classification: Uncertain significance for Hereditary cancer-predisposing syndrome. Last evaluated: 2025-07-09. Review status: criteria provided, single submitter. Criteria: Ambry Variant Classification Scheme 2023. Collection method: clinical testing. Allele origin: germline.
Comment: The p.S285P variant (also known as c.853T>C), located in coding exon 10 of the BAP1 gene, results from a T to C substitution at nucleotide position 853. The serine at codon 285 is replaced by proline, an amino acid with similar properties. This amino acid position is conserved. In addition, this alteration is predicted to be tolerated by in silico analysis. Based on the available evidence, the clinical significance of this variant remains unclear.

NM_004656.4(BAP1):c.853T>C (p.Ser285Pro)

Gene: BAP1 (BRCA1 associated deubiquitinase 1; minus strand). Cytogenetic location: 3p21.1.
Variant type: single nucleotide variant.
Coding change: c.853T>C on transcript NM_004656.4 (MANE Select); coding-DNA position 853, T replaced by C.
Protein change: p.Ser285Pro; replaces serine 285 with proline.
Molecular consequence: missense variant.
Genome position (GRCh38, 1-based): chr3:52,405,843, A>G on the plus strand (T>C on the coding strand, the complement: BAP1 is on the minus strand). VCF-style: chr3-52405843-A-G. GRCh37 (hg19) VCF-style: chr3-52439859-A-G.
Other names: c.799T>C, p.Ser267Pro (NM_001410772.1); short protein forms S267P, S285P.
Identifiers: ClinVar variation 4194566 (VCV004194566.1).